The following is an entry in ClinVar:

NM_020975.6(RET):c.43_51del (p.Leu17_Leu19del)

Gene: RET (ret proto-oncogene; plus strand). Cytogenetic location: 10q11.21.
Variant type: Deletion.
Coding change: c.43_51del on transcript NM_020975.6 (MANE Select); coding-DNA positions 43 to 51, 9 bases deleted (TTGCTGCTG; older notation c.43_51delTTGCTGCTG).
Protein change: p.Leu17_Leu19del.
Molecular consequence: inframe deletion. On other transcripts: inframe indel (41).
Genome position (GRCh38, 1-based): chr10:43,077,301-43,077,309, TTGCTGCTG deleted; deleting any 9 consecutive bases within chr10:43,077,295-43,077,309 gives the same sequence; the c. name uses the placement nearest the transcript's 3' end. VCF-style (leftmost placement, unchanged base first): chr10-43077294-TCTGCTGTTG-T. GRCh37 (hg19) VCF-style: chr10-43572742-TCTGCTGTTG-T.
Other names: c.43_51delTTGCTGCTG, p.Leu17_Leu19del (NM_000323.2, NM_001406743.1, NM_001406744.1 and 38 more transcripts).
Identifiers: ClinVar variation 580433 (VCV000580433.12), dbSNP rs1488217326, ClinGen allele CA891842881.

ClinVar aggregate classification (germline): Conflicting classifications of pathogenicity. Review status: criteria provided, conflicting classifications (1 of 4 stars). 3 submissions from 3 submitters: Uncertain significance (2); Likely benign (1). Last evaluated 2025-07-09.

Conditions:
Multiple endocrine neoplasia, type 2 (MEN2). Identifiers: Orphanet 653, MedGen C4048306, MONDO:0019003. Disease mechanism: gain of function.
Hereditary cancer-predisposing syndrome. Also called: Neoplastic Syndromes, Hereditary; Tumor predisposition; Hereditary neoplastic syndrome; Hereditary Cancer Syndrome. Identifiers: Orphanet 140162, MedGen C0027672, MeSH D009386, MONDO:0015356.

Submissions (3):

Labcorp Genetics (formerly Invitae), Labcorp
Classification: Uncertain significance for Multiple endocrine neoplasia, type 2. Last evaluated: 2025-07-09. Review status: criteria provided, single submitter. Criteria: Invitae Variant Classification Sherloc (09022015). Collection method: clinical testing. Allele origin: germline.
Comment: This variant, c.43_51del, results in the deletion of 3 amino acid(s) of the RET protein (p.Leu17_Leu19del), but otherwise preserves the integrity of the reading frame. This variant is not present in population databases (gnomAD no frequency). This variant has not been reported in the literature in individuals affected with RET-related conditions. ClinVar contains an entry for this variant (Variation ID: 580433). Experimental studies and prediction algorithms are not available or were not evaluated, and the functional significance of this variant is currently unknown. In summary, the available evidence is currently insufficient to determine the role of this variant in disease. Therefore, it has been classified as a Variant of Uncertain Significance.

All of Us Research Program, National Institutes of Health
Classification: Uncertain significance for Multiple endocrine neoplasia, type 2. Last evaluated: 2023-11-30. Review status: criteria provided, single submitter. Criteria: ACMG Guidelines, 2015. Collection method: clinical testing. Allele origin: germline. Inheritance: Autosomal dominant inheritance. Observed: 1 variant allele, 1 heterozygote.
Comment: This study involves interpretation of variants in research participants for the purpose of population health screening. Participant phenotype was not available at the time of variant classification. Additional details can be found in publication PMID: 35346344, PMCID: PMC8962531

Ambry Genetics
Classification: Likely benign for Hereditary cancer-predisposing syndrome. Last evaluated: 2020-09-15. Review status: criteria provided, single submitter. Criteria: Ambry Variant Classification Scheme 2023. Collection method: clinical testing. Allele origin: germline.